The following is an entry in ClinVar:

ClinVar aggregate classification (germline): Uncertain significance (1 of 4 stars; one submission).

Allele frequency attached by ClinVar (database versions not stated): ExAC 0.00001; gnomAD 0.00001; TOPMed 0.00001.
gnomAD v4.1: 7 of 1,614,052 alleles (0.00043%); highest among the groups gnomAD compares: African/African-American, 0.004%; no homozygotes.

Submission:

Labcorp Genetics (formerly Invitae), Labcorp
Classification: Uncertain significance. Last evaluated: 2022-12-08. Review status: criteria provided, single submitter. Criteria: Invitae Variant Classification Sherloc (09022015). Collection method: clinical testing. Allele origin: germline.
Comment: In summary, the available evidence is currently insufficient to determine the role of this variant in disease. Therefore, it has been classified as a Variant of Uncertain Significance. Algorithms developed to predict the effect of missense changes on protein structure and function are either unavailable or do not agree on the potential impact of this missense change (SIFT: "Deleterious"; PolyPhen-2: "Benign"; Align-GVGD: "Class C0"). This variant has not been reported in the literature in individuals affected with SIAE-related conditions. This variant is present in population databases (rs748949092, gnomAD 0.007%). This sequence change replaces threonine, which is neutral and polar, with methionine, which is neutral and non-polar, at codon 484 of the SIAE protein (p.Thr484Met).

NM_170601.5(SIAE):c.1451C>T (p.Thr484Met)

Gene: SIAE (sialic acid acetylesterase; minus strand). Cytogenetic location: 11q24.2.
Variant type: single nucleotide variant.
Coding change: c.1451C>T on transcript NM_170601.5 (MANE Select); coding-DNA position 1451, C replaced by T.
Protein change: p.Thr484Met; replaces threonine 484 with methionine.
Molecular consequence: missense variant.
Genome position (GRCh38, 1-based): chr11:124,637,072, G>A on the plus strand (C>T on the coding strand, the complement: SIAE is on the minus strand). VCF-style: chr11-124637072-G-A. GRCh37 (hg19) VCF-style: chr11-124506968-G-A.
Other names: c.1346C>T, p.Thr449Met (NM_001199922.2); short protein forms T449M, T484M.
Identifiers: ClinVar variation 2959501 (VCV002959501.3), dbSNP rs748949092, ClinGen allele CA6341170.